The following is an entry in ClinVar:

ClinVar aggregate classification (germline): Uncertain significance. Review status: criteria provided, multiple submitters, no conflicts (2 of 4 stars). 3 submissions from 3 submitters: Uncertain significance (3). Last evaluated 2025-07-02.

Conditions:
Fabry disease. Also called: ALPHA-GALACTOSIDASE A DEFICIENCY; ANDERSON-FABRY DISEASE; CERAMIDE TRIHEXOSIDASE DEFICIENCY; GLA DEFICIENCY; HEREDITARY DYSTOPIC LIPIDOSIS; Fabry's disease. Identifiers: Orphanet 324, MedGen C0002986, MONDO:0010526, OMIM 301500, HP:0001071. Disease mechanism: loss of function, Fabry disease is due to inactivating mutations in the X-linked GLA gene resulting in deficiency of the enzyme Alpha Galactosidase-A..
Cardiovascular phenotype. Identifiers: MedGen CN230736.

Submissions (3):

Labcorp Genetics (formerly Invitae), Labcorp
Classification: Uncertain significance for Fabry disease. Last evaluated: 2025-07-02. Review status: criteria provided, single submitter. Criteria: Invitae Variant Classification Sherloc (09022015). Collection method: clinical testing. Allele origin: germline.
Comment: This sequence change replaces histidine, which is basic and polar, with proline, which is neutral and non-polar, at codon 115 of the GLA protein (p.His115Pro). This variant is not present in population databases (gnomAD no frequency). This variant has not been reported in the literature in individuals affected with GLA-related conditions. ClinVar contains an entry for this variant (Variation ID: 946909). Invitae Evidence Modeling of protein sequence and biophysical properties (such as structural, functional, and spatial information, amino acid conservation, physicochemical variation, residue mobility, and thermodynamic stability) indicates that this missense variant is not expected to disrupt GLA protein function with a negative predictive value of 80%. In summary, the available evidence is currently insufficient to determine the role of this variant in disease. Therefore, it has been classified as a Variant of Uncertain Significance.

Revvity Omics, Revvity
Classification: Uncertain significance. Last evaluated: 2025-06-04. Review status: criteria provided, single submitter. Criteria: ACMG Guidelines, 2015. Collection method: clinical testing. Allele origin: germline.

Ambry Genetics
Classification: Uncertain significance for Cardiovascular phenotype. Last evaluated: 2021-05-18. Review status: criteria provided, single submitter. Criteria: Ambry Variant Classification Scheme 2023. Collection method: clinical testing. Allele origin: germline.
Comment: The p.H115P variant (also known as c.344A>C), located in coding exon 2 of the GLA gene, results from an A to C substitution at nucleotide position 344. The histidine at codon 115 is replaced by proline, an amino acid with similar properties. This amino acid position is poorly conserved in available vertebrate species. In addition, the in silico prediction for this alteration is inconclusive. Since supporting evidence is limited at this time, the clinical significance of this alteration remains unclear.

NM_000169.3(GLA):c.344A>C (p.His115Pro)

Genes: GLA (galactosidase alpha; minus strand), RPL36A-HNRNPH2 (RPL36A-HNRNPH2 readthrough; plus strand). Cytogenetic location: Xq22.1.
Variant type: single nucleotide variant.
Coding change: c.344A>C on transcript NM_000169.3 (MANE Select); coding-DNA position 344, A replaced by C.
Protein change: p.His115Pro; replaces histidine 115 with proline.
Molecular consequence: missense variant. On other transcripts: non-coding transcript variant (3), intron variant (2).
Genome position (GRCh38, 1-based): chrX:101,403,836, T>G on the plus strand (A>C on the coding strand, the complement: GLA is on the minus strand). VCF-style: chrX-101403836-T-G. GRCh37 (hg19) VCF-style: chrX-100658824-T-G.
Other names: c.344A>C, p.His115Pro (NM_001406748.1); c.467A>C, p.His156Pro (NM_001406749.1, NM_001406747.1); c.301-8100T>G (NM_001199973.2); c.178-8100T>G (NM_001199974.2); short protein forms H115P, H156P.
Identifiers: ClinVar variation 946909 (VCV000946909.11), dbSNP rs1928402204, ClinGen allele CA413932979.